The following is an entry in ClinVar:

ClinVar aggregate classification (germline): Likely benign. Review status: criteria provided, single submitter (1 of 4 stars). 2 submissions from 2 submitters: Likely benign (1). 1 of the submissions does not count toward it. Last evaluated 2024-11-04.

Conditions:
PHIP-related disorder. Also called: PHIP-related condition; PHIP-related disorders.

Submissions (2):

Labcorp Genetics (formerly Invitae), Labcorp
Classification: Likely benign. Last evaluated: 2024-11-04. Review status: criteria provided, single submitter. Criteria: Invitae Variant Classification Sherloc (09022015). Collection method: clinical testing. Allele origin: germline.

PreventionGenetics, part of Exact Sciences
Classification: Likely benign for PHIP-related condition. Last evaluated: 2022-01-28. Review status: no assertion criteria provided. Collection method: clinical testing. Allele origin: germline. Not counted in ClinVar's aggregate classification.
Comment: This variant is classified as likely benign based on ACMG/AMP sequence variant interpretation guidelines (Richards et al. 2015 PMID: 25741868, with internal and published modifications).

NM_017934.7(PHIP):c.3561C>T (p.Pro1187=)

Genes: IRAK1BP1 (interleukin 1 receptor associated kinase 1 binding protein 1; plus strand), PHIP (PHIP subunit of CUL4-Ring ligase complex; minus strand). Cytogenetic location: 6q14.1.
Variant type: single nucleotide variant.
Coding change: c.3561C>T on transcript NM_017934.7 (MANE Select); coding-DNA position 3561, C replaced by T.
Protein change: p.Pro1187=; no amino-acid change (proline 1187 retained).
Molecular consequence: synonymous variant.
Genome position (GRCh38, 1-based): chr6:78,961,785, G>A on the plus strand (C>T on the coding strand, the complement: PHIP is on the minus strand). VCF-style: chr6-78961785-G-A. GRCh37 (hg19) VCF-style: chr6-79671502-G-A.
Identifiers: ClinVar variation 3351192 (VCV003351192.3).